The following is an entry in ClinVar:

NM_000032.5(ALAS2):c.*56A>C

Gene: ALAS2 (5'-aminolevulinate synthase 2; minus strand). Cytogenetic location: Xp11.21.
Variant type: single nucleotide variant.
Coding change: c.*56A>C on transcript NM_000032.5 (MANE Select); 56 bases downstream of the stop codon, A replaced by C.
Molecular consequence: 3 prime UTR variant.
Genome position (GRCh38, 1-based): chrX:55,009,124, T>G on the plus strand (A>C on the coding strand, the complement: ALAS2 is on the minus strand). VCF-style: chrX-55009124-T-G. GRCh37 (hg19) VCF-style: chrX-55035557-T-G.
Other names: c.*56A>C (LRG_1163t1, NM_001037967.4, NM_001037968.4).
Identifiers: ClinVar variation 368590 (VCV000368590.9), dbSNP rs6612250, ClinGen allele CA10654370.
Genomic context (GRCh38, chrX:55,009,124, plus strand): 5'-TTGTGCTTTATTTTTAGGCTCAATTCAGCTAGAGGCACACAACAAAGCAGAAGACAGGAG[T>G]AGGCCTGGACCCAAGTGAAGCGCAGGTGGGGTGTGAATCCTAGGCAGCTGGCTTCTCAGG-3'

ClinVar aggregate classification (germline): Benign. Review status: criteria provided, multiple submitters, no conflicts (2 of 4 stars). 3 submissions from 3 submitters: Benign (3). Last evaluated 2018-06-28.

Conditions:
X-linked sideroblastic anemia 1. Also called: Erythroid 5-aminolevulinate synthase deficiency; X chromosome-linked sideroblastic anemia; X-linked pyridoxine-refractory sideroblastic anemia; ANEMIA, SIDEROBLASTIC, 1, PYRIDOXINE REFRACTORY; Anemia, sideroblastic, 1; Anemia, hereditary sideroblastic 1, pyridoxine refractory. Identifiers: Orphanet 75563, MedGen C4551511, MONDO:0020721, OMIM 300751. Disease mechanism: loss of function.

Allele frequency attached by ClinVar (database versions not stated): gnomAD exomes 0.00586; 1000 Genomes Project 0.05272; 1000 Genomes Project 30x 0.05432; gnomAD 0.05726 and 0.06184; TOPMed 0.06503.
gnomAD v4.1: 12,911 of 1,172,771 alleles (1.1%); highest among the groups gnomAD compares: African/African-American, 20%; 898 homozygotes.

Submissions (3):

GeneDx
Classification: Benign. Last evaluated: 2018-06-28. Review status: criteria provided, single submitter. Criteria: GeneDx Variant Classification Process June 2021. Collection method: clinical testing. Allele origin: germline. Affected: yes.

Illumina Laboratory Services, Illumina
Classification: Benign for X-linked sideroblastic anemia 1. Last evaluated: 2017-04-27. Review status: criteria provided, single submitter. Criteria: ICSL Variant Classification Criteria 13 December 2019. Collection method: clinical testing. Allele origin: germline.
Comment: This variant was observed as part of a predisposition screen in an ostensibly healthy population. A literature search was performed for the gene, cDNA change, and amino acid change (where applicable). No publications were found based on this search. Allele frequency data from public databases was too high to be consistent with this variant causing disease. Therefore, this variant is classified as benign.

Breakthrough Genomics
Classification: Benign. Review status: criteria provided, single submitter. Criteria: ACMG Guidelines, 2015. Collection method: not provided. Allele origin: germline. Inheritance: X-linked inheritance. Affected: yes.